The following is an entry in ClinVar:

NM_080680.3(COL11A2):c.3529-5C>T

Gene: COL11A2 (collagen type XI alpha 2 chain; minus strand). Cytogenetic location: 6p21.32.
Variant type: single nucleotide variant.
Coding change: c.3529-5C>T on transcript NM_080680.3 (MANE Select); 5 bases into the intron before coding-DNA position 3529, C replaced by T.
Molecular consequence: intron variant.
Genome position (GRCh38, 1-based): chr6:33,170,384, G>A on the plus strand (C>T on the coding strand, the complement: COL11A2 is on the minus strand). VCF-style: chr6-33170384-G-A. GRCh37 (hg19) VCF-style: chr6-33138161-G-A.
Other names: c.3208-5C>T (NM_080679.3); c.3271-5C>T (NM_080681.3).
Identifiers: ClinVar variation 1609729 (VCV001609729.10), dbSNP rs201941509, ClinGen allele CA3750466.

ClinVar aggregate classification (germline): Conflicting classifications of pathogenicity. Review status: criteria provided, conflicting classifications (1 of 4 stars). 2 submissions from 2 submitters: Uncertain significance (1); Likely benign (1). Last evaluated 2025-12-16.

Allele frequency attached by ClinVar (database versions not stated): ExAC 0.00001; gnomAD 0.00001; gnomAD exomes 0.00001 and 0.00002; TOPMed 0.00002.
gnomAD v4.1: 13 of 1,613,616 alleles (0.00081%); highest among the groups gnomAD compares: Non-Finnish European, 0.001%; no homozygotes.

Submissions (2):

Labcorp Genetics (formerly Invitae), Labcorp
Classification: Likely benign. Last evaluated: 2025-12-16. Review status: criteria provided, single submitter. Criteria: Invitae Variant Classification Sherloc (09022015). Collection method: clinical testing. Allele origin: germline.

Women's Health and Genetics/Laboratory Corporation of America, LabCorp
Classification: Uncertain significance. Last evaluated: 2024-11-27. Review status: criteria provided, single submitter. Criteria: LabCorp Variant Classification Summary - May 2015. Collection method: clinical testing. Allele origin: germline.
Comment: Variant summary: COL11A2 c.3529-5C>T alters a non-conserved nucleotide located close to a canonical splice site and therefore could affect mRNA splicing, leading to a significantly altered protein sequence. Consensus agreement among computation tools predict no significant impact on normal splicing. However, these predictions have yet to be confirmed by functional studies. The variant allele was found at a frequency of 1.2e-05 in 249814 control chromosomes. The available data on variant occurrences in the general population are insufficient to allow any conclusion about variant significance. To our knowledge, no occurrence of c.3529-5C>T in individuals affected with COL11A2-Related Disorders and no experimental evidence demonstrating its impact on protein function have been reported. ClinVar contains an entry for this variant (Variation ID: 1609729). Based on the evidence outlined above, the variant was classified as uncertain significance.